The following is an entry in ClinVar:

NM_001271.4(CHD2):c.4533_4534dup (p.Arg1512fs)

Gene: CHD2 (chromodomain helicase DNA binding protein 2; plus strand). Cytogenetic location: 15q26.1.
Variant type: Duplication.
Coding change: c.4533_4534dup on transcript NM_001271.4 (MANE Select); coding-DNA positions 4533 to 4534, 2 bases duplicated (CC; older notation c.4533_4534dupCC).
Protein change: p.Arg1512fs; shifts the reading frame from arginine 1512.
Molecular consequence: frameshift variant.
Genome position (GRCh38, 1-based): chr15:93,009,264-93,009,265, CC duplicated. VCF-style (leftmost placement, unchanged base first): chr15-93009263-A-ACC. GRCh37 (hg19) VCF-style: chr15-93552493-A-ACC.
Other names: short protein forms R1512fs.
Identifiers: ClinVar variation 4855958 (VCV004855958.1).
Genomic context (GRCh38, chr15:93,009,263, plus strand): 5'-AGGGGCTCAACGTGCAAGAACAGCTGGAACACACCCGGAACTGCCTGCTGAAAATCGGAG[A>ACC]CCGGATAGCCGAGTGCCTTAAAGCCTACTCAGATCAGGAGCACATCAAACTCTGGAGGAG-3'

ClinVar aggregate classification (germline): Likely pathogenic (1 of 4 stars; one submission).

Conditions:
Developmental and epileptic encephalopathy 94 (DEE94). Also called: Epileptic encephalopathy, childhood-onset; CHD2-Related Neurodevelopmental Disorders. Identifiers: Orphanet 1942, Orphanet 2382, MedGen C3809278, MONDO:0014150, OMIM 615369.

Submission:

3billion
Classification: Likely pathogenic for Developmental and epileptic encephalopathy 94. Last evaluated: 2026-01-05. Review status: criteria provided, single submitter. Criteria: ACMG Guidelines, 2015. Collection method: clinical testing. Allele origin: germline. Affected: yes.
Comment: The variant is not observed in the gnomAD v4.1.0 dataset. Predicted Consequence/Location: Frameshift: predicted to result in a loss or disruption of normal protein function through nonsense-mediated decay (NMD) or protein truncation. Multiple pathogenic variants are reported downstream of the variant. Therefore, this variant is classified as Likely pathogenic according to the recommendation of ACMG/AMP guideline.